The following is an entry in ClinVar:

ClinVar aggregate classification (germline): Uncertain significance (1 of 4 stars; one submission).

Conditions:
Sphingolipid activator protein 1 deficiency. Also called: Metachromatic leukodystrophy due to saposin B deficiency; Saposin B Deficiency; METACHROMATIC LEUKODYSTROPHY DUE TO CEREBROSIDE SULFATASE ACTIVATOR DEFICIENCY. Identifiers: Orphanet 512, MedGen C0268262, MONDO:0009590, OMIM 249900.

Submission:

Labcorp Genetics (formerly Invitae), Labcorp
Classification: Uncertain significance for Sphingolipid activator protein 1 deficiency. Last evaluated: 2022-02-04. Review status: criteria provided, single submitter. Criteria: Invitae Variant Classification Sherloc (09022015). Collection method: clinical testing. Allele origin: germline.
Comment: This sequence change replaces glutamine, which is neutral and polar, with histidine, which is basic and polar, at codon 358 of the PSAP protein (p.Gln358His). This variant is not present in population databases (gnomAD no frequency). This variant has not been reported in the literature in individuals affected with PSAP-related conditions. Algorithms developed to predict the effect of missense changes on protein structure and function are either unavailable or do not agree on the potential impact of this missense change (SIFT: "Not Available"; PolyPhen-2: "Probably Damaging"; Align-GVGD: "Not Available"). In summary, the available evidence is currently insufficient to determine the role of this variant in disease. Therefore, it has been classified as a Variant of Uncertain Significance.

NM_002778.4(PSAP):c.1074G>C (p.Gln358His)

Gene: PSAP (prosaposin; minus strand). Cytogenetic location: 10q22.1.
Variant type: single nucleotide variant.
Coding change: c.1074G>C on transcript NM_002778.4 (MANE Select); coding-DNA position 1074, G replaced by C.
Protein change: p.Gln358His; replaces glutamine 358 with histidine.
Molecular consequence: missense variant.
Genome position (GRCh38, 1-based): chr10:71,819,832, C>G on the plus strand (G>C on the coding strand, the complement: PSAP is on the minus strand). VCF-style: chr10-71819832-C-G. GRCh37 (hg19) VCF-style: chr10-73579589-C-G.
Other names: c.1083G>C, p.Gln361His (NM_001042465.3); c.1080G>C, p.Gln360His (NM_001042466.3); short protein forms Q358H, Q361H, Q360H.
Identifiers: ClinVar variation 1507872 (VCV001507872.5), dbSNP rs1842259918, ClinGen allele CA377144607.